The following is an entry in ClinVar:

ClinVar aggregate classification (germline): Uncertain significance (1 of 4 stars; one submission).

Submission:

GeneDx
Classification: Uncertain significance. Last evaluated: 2024-05-22. Review status: criteria provided, single submitter. Criteria: GeneDx Variant Classification Process June 2021. Collection method: clinical testing. Allele origin: germline. Affected: yes.
Comment: Not observed at significant frequency in large population cohorts (gnomAD); Missense variant in a gene in which most reported pathogenic variants are truncating/loss of function; Has not been previously published as pathogenic or benign to our knowledge

NM_001267550.2(TTN):c.52868T>C (p.Met17623Thr)

Genes: TTN (titin; minus strand), TTN-AS1 (TTN antisense RNA 1; plus strand), LOC126806425 (BRD4-independent group 4 enhancer GRCh37_chr2:179471933-179473132; plus strand). Cytogenetic location: 2q31.2.
Variant type: single nucleotide variant.
Coding change: c.52868T>C on transcript NM_001267550.2 (MANE Select); coding-DNA position 52868, T replaced by C.
Protein change: p.Met17623Thr; replaces methionine 17623 with threonine.
Molecular consequence: missense variant.
Genome position (GRCh38, 1-based): chr2:178,607,919, A>G on the plus strand (T>C on the coding strand, the complement: TTN is on the minus strand). VCF-style: chr2-178607919-A-G. GRCh37 (hg19) VCF-style: chr2-179472646-A-G.
Other names: c.47945T>C, p.Met15982Thr (NM_001256850.1); c.25673T>C, p.Met8558Thr (NM_003319.4); c.45164T>C, p.Met15055Thr (NM_133378.4); c.26048T>C, p.Met8683Thr (NM_133432.3); c.26249T>C, p.Met8750Thr (NM_133437.4); short protein forms M15055T, M15982T, M17623T, M8558T, M8683T, M8750T.
Identifiers: ClinVar variation 3381451 (VCV003381451.1).